The following is an entry in ClinVar:

ClinVar aggregate classification (germline): Uncertain significance (1 of 4 stars; one submission).

Conditions:
Brody myopathy. Also called: BRODY DISEASE. Identifiers: Orphanet 53347, MedGen C1832918, MONDO:0010977, OMIM 601003.

Submission:

Labcorp Genetics (formerly Invitae), Labcorp
Classification: Uncertain significance for Brody myopathy. Last evaluated: 2022-09-19. Review status: criteria provided, single submitter. Criteria: Invitae Variant Classification Sherloc (09022015). Collection method: clinical testing. Allele origin: germline.
Comment: This variant is not present in population databases (gnomAD no frequency). In summary, the available evidence is currently insufficient to determine the role of this variant in disease. Therefore, it has been classified as a Variant of Uncertain Significance. Algorithms developed to predict the effect of missense changes on protein structure and function are either unavailable or do not agree on the potential impact of this missense change (SIFT: "Deleterious"; PolyPhen-2: "Possibly Damaging"; Align-GVGD: "Class C0"). ClinVar contains an entry for this variant (Variation ID: 1356672). This variant has not been reported in the literature in individuals affected with ATP2A1-related conditions. This sequence change replaces isoleucine, which is neutral and non-polar, with phenylalanine, which is neutral and non-polar, at codon 150 of the ATP2A1 protein (p.Ile150Phe).

NM_004320.6(ATP2A1):c.448A>T (p.Ile150Phe)

Gene: ATP2A1 (ATPase sarcoplasmic/endoplasmic reticulum Ca2+ transporting 1; plus strand). Cytogenetic location: 16p11.2.
Variant type: single nucleotide variant.
Coding change: c.448A>T on transcript NM_004320.6 (MANE Select); coding-DNA position 448, A replaced by T.
Protein change: p.Ile150Phe; replaces isoleucine 150 with phenylalanine.
Molecular consequence: missense variant.
Genome position (GRCh38, 1-based): chr16:28,882,574, A>T. VCF-style: chr16-28882574-A-T. GRCh37 (hg19) VCF-style: chr16-28893895-A-T.
Other names: c.73A>T, p.Ile25Phe (NM_001286075.2); c.448A>T, p.Ile150Phe (NM_173201.5); short protein forms I150F, I25F.
Identifiers: ClinVar variation 1356672 (VCV001356672.8), dbSNP rs1278316076, ClinGen allele CA395401288.